The following is an entry in ClinVar:

ClinVar aggregate classification (germline): Likely pathogenic (1 of 4 stars; one submission).

Conditions:
Congenital lactic acidosis, Saguenay-Lac-Saint-Jean type (MC4DN5). Also called: CYTOCHROME c OXIDASE DEFICIENCY, FRENCH CANADIAN TYPE; COX DEFICIENCY, FRENCH CANADIAN TYPE; MITOCHONDRIAL COMPLEX IV DEFICIENCY, NUCLEAR TYPE 5. Identifiers: Orphanet 70472, MedGen C1857355, MONDO:0009069, OMIM 220111.

Submission:

Myriad Genetics, Inc.
Classification: Likely pathogenic for Congenital lactic acidosis, Saguenay-Lac-Saint-Jean type. Last evaluated: 2022-04-29. Review status: criteria provided, single submitter. Criteria: Myriad Women's Health Autosomal Recessive and X-Linked Classification Criteria (2021). Collection method: clinical testing. Allele origin: unknown.
Comment: NM_133259.3(LRPPRC):c.31_32ins11(L11Yfs*47) is expected to be pathogenic in the context of Leigh syndrome, French-Canadian type. This variant is predicted to lead to an abnormal or absent protein product due to the creation of a premature termination codon in LRPPRC, a gene where loss-of-function variants are known to be pathogenic. Please note: this variant was assessed in the context of healthy population screening.

NM_133259.4(LRPPRC):c.31_32insATAAGAGACAG (p.Leu11fs)

Gene: LRPPRC (leucine rich pentatricopeptide repeat containing; minus strand). Cytogenetic location: 2p21.
Variant type: Insertion.
Coding change: c.31_32insATAAGAGACAG on transcript NM_133259.4 (MANE Select); coding-DNA positions 31 to 32, ATAAGAGACAG inserted.
Protein change: p.Leu11fs; shifts the reading frame from leucine 11.
Molecular consequence: frameshift variant.
Genome position: GRCh38 VCF-style: chr2-43995916-A-ACTGTCTCTTAT. GRCh37 (hg19) VCF-style: chr2-44223055-A-ACTGTCTCTTAT.
Other names: short protein forms L11fs.
Identifiers: ClinVar variation 1725979 (VCV001725979.2), dbSNP rs2465901348, ClinGen allele CA2580066525.